The following is an entry in ClinVar:

ClinVar aggregate classification (germline): Uncertain significance. Review status: criteria provided, multiple submitters, no conflicts (2 of 4 stars). 2 submissions from 2 submitters: Uncertain significance (2). Last evaluated 2025-12-09.

Conditions:
Inborn genetic diseases. Identifiers: MedGen C0950123, MeSH D030342.
Hypokalemic periodic paralysis, type 1. Also called: HypoPP; Hypokalemic Periodic Paralysis Type 1 (AD). Identifiers: Orphanet 681, MedGen C3714580, MONDO:0042979, OMIM 170400.
Malignant hyperthermia, susceptibility to, 5 (MHS5). Also called: CACNA1S-Related Malignant Hyperthermia Susceptibility. Identifiers: Orphanet 423, MedGen C1866077, MONDO:0011163, OMIM 601887.

Submissions (2):

Ambry Genetics
Classification: Uncertain significance for Inborn genetic diseases. Last evaluated: 2025-12-09. Review status: criteria provided, single submitter. Criteria: Ambry Variant Classification Scheme 2023. Collection method: clinical testing. Allele origin: germline.

Labcorp Genetics (formerly Invitae), Labcorp
Classification: Uncertain significance for Hypokalemic periodic paralysis, type 1; Malignant hyperthermia, susceptibility to, 5. Last evaluated: 2020-03-25. Review status: criteria provided, single submitter. Criteria: Invitae Variant Classification Sherloc (09022015). Collection method: clinical testing. Allele origin: germline.
Comment: This sequence change replaces tryptophan with arginine at codon 1258 of the CACNA1S protein (p.Trp1258Arg). The tryptophan residue is highly conserved and there is a moderate physicochemical difference between tryptophan and arginine. This variant is not present in population databases (ExAC no frequency). In summary, the available evidence is currently insufficient to determine the role of this variant in disease. Therefore, it has been classified as a Variant of Uncertain Significance. Algorithms developed to predict the effect of missense changes on protein structure and function are either unavailable or do not agree on the potential impact of this missense change (SIFT: "Deleterious"; PolyPhen-2: "Probably Damaging"; Align-GVGD: "Class C0"). This variant has not been reported in the literature in individuals with CACNA1S-related conditions.

NM_000069.3(CACNA1S):c.3772T>C (p.Trp1258Arg)

Gene: CACNA1S (calcium voltage-gated channel subunit alpha1 S; minus strand). Cytogenetic location: 1q32.1.
Variant type: single nucleotide variant.
Coding change: c.3772T>C on transcript NM_000069.3 (MANE Select); coding-DNA position 3772, T replaced by C.
Protein change: p.Trp1258Arg; replaces tryptophan 1258 with arginine.
Molecular consequence: missense variant.
Genome position (GRCh38, 1-based): chr1:201,053,482, A>G on the plus strand (T>C on the coding strand, the complement: CACNA1S is on the minus strand). VCF-style: chr1-201053482-A-G. GRCh37 (hg19) VCF-style: chr1-201022610-A-G.
Other names: c.3772T>C (NM_000069.2); short protein forms W1258R.
Identifiers: ClinVar variation 1037824 (VCV001037824.10), dbSNP rs1660729396, ClinGen allele CA344154327.